The following is an entry in ClinVar:

NM_000384.3(APOB):c.129G>A (p.Ala43=)

Genes: APOB (apolipoprotein B; minus strand), LOC106560211 (APOB 5' regulatory region; plus strand). Cytogenetic location: 2p24.1.
Variant type: single nucleotide variant.
Coding change: c.129G>A on transcript NM_000384.3 (MANE Select); coding-DNA position 129, G replaced by A.
Protein change: p.Ala43=; no amino-acid change (alanine 43 retained).
Molecular consequence: synonymous variant.
Genome position (GRCh38, 1-based): chr2:21,042,469, C>T on the plus strand (G>A on the coding strand, the complement: APOB is on the minus strand). VCF-style: chr2-21042469-C-T. GRCh37 (hg19) VCF-style: chr2-21265341-C-T.
Identifiers: ClinVar variation 630365 (VCV000630365.20), dbSNP rs12720850, ClinGen allele CA051658.

ClinVar aggregate classification (germline): Conflicting classifications of pathogenicity. Review status: criteria provided, conflicting classifications (1 of 4 stars). 6 submissions from 5 submitters: Uncertain significance (2); Likely benign (4). Last evaluated 2025-12-29.

Conditions:
Cardiovascular phenotype. Identifiers: MedGen CN230736.
Hypercholesterolemia, autosomal dominant, type B (FHCL2). Also called: APOB-Related Familial Hypercholesterolemia, Autosomal Dominant; Hyperlipoproteinemia Type IIb; Familial Hypercholesterolemia Type B; APOLIPOPROTEIN B-100, FAMILIAL DEFECTIVE; APOLIPOPROTEIN B-100, FAMILIAL LIGAND-DEFECTIVE; Familial hypercholesterolemia 2. Identifiers: MedGen C1704417, MONDO:0007751, OMIM 144010.
Familial hypobetalipoproteinemia 1. Also called: APOB-Related Familial Hypobetalipoproteinemia; Hypobetalipoproteinemia, normotriglyceridemic; Acanthocytosis with hypobetalipoproteinemia. Identifiers: MedGen C4551990, MONDO:0014252, OMIM 615558.
Familial hypercholesterolemia. Also called: Familial hypercholesterolemias; Familial hypercholesterolaemia. Identifiers: MedGen C0020445, MONDO:0005439.

Allele frequency attached by ClinVar (database versions not stated): TOPMed 0.00002; 1000 Genomes Project 30x 0.00016.
gnomAD v4.1: 68 of 1,613,890 alleles (0.0042%); highest among the groups gnomAD compares: Non-Finnish European, 0.0058%; 1 homozygote.

Submissions (6):

Labcorp Genetics (formerly Invitae), Labcorp
Classification: Likely benign for Familial hypobetalipoproteinemia 1; Hypercholesterolemia, autosomal dominant, type B. Last evaluated: 2025-12-29. Review status: criteria provided, single submitter. Criteria: Invitae Variant Classification Sherloc (09022015). Collection method: clinical testing. Allele origin: germline.

GENinCode PLC
Classification: Likely benign for Familial hypercholesterolemia. Last evaluated: 2023-11-13. Review status: criteria provided, single submitter. Criteria: ACMG Guidelines, 2015. Collection method: clinical testing. Allele origin: germline.
Comment: This is a synonymous (silent) variant that is not predicted by SpliceAI to impact splicing. In addition, it occurs at a nucleotide that is not conserved. Therefore this variant has been classified as Likely Benign (BP4, BP7).

Ambry Genetics
Classification: Likely benign for Cardiovascular phenotype. Last evaluated: 2021-04-22. Review status: criteria provided, single submitter. Criteria: Ambry Variant Classification Scheme 2023. Collection method: clinical testing. Allele origin: germline.

Color Diagnostics, LLC DBA Color Health
Classification: Likely benign for Familial hypercholesterolemias. Last evaluated: 2017-11-17. Review status: criteria provided, single submitter. Criteria: ACMG Guidelines, 2015. Collection method: clinical testing. Allele origin: germline.

Illumina Laboratory Services, Illumina
Classification: Uncertain significance for Familial hypobetalipoproteinemia 1. Last evaluated: 2017-04-27. Review status: criteria provided, single submitter. Criteria: ICSL Variant Classification Criteria 13 December 2019. Collection method: clinical testing. Allele origin: germline.

Illumina Laboratory Services, Illumina
Classification: Uncertain significance for Hypercholesterolemia, autosomal dominant, type B. Last evaluated: 2017-04-27. Review status: criteria provided, single submitter. Criteria: ICSL Variant Classification Criteria 13 December 2019. Collection method: clinical testing. Allele origin: germline.
Comment: This variant was observed as part of a predisposition screen in an ostensibly healthy population. A literature search was performed for the gene, cDNA change, and amino acid change (where applicable). Publications were found based on this search. However, the evidence from the literature, in combination with allele frequency data from public databases where available, was not sufficient to rule this variant in or out of causing disease. Therefore, this variant is classified as a variant of unknown significance.

Literature cited by the submitters: PubMed 24498611 (cited by Illumina Laboratory Services, Illumina).